The following is an entry in ClinVar:

ClinVar aggregate classification (germline): Conflicting classifications of pathogenicity. Review status: criteria provided, conflicting classifications (1 of 4 stars). 6 submissions from 6 submitters: Uncertain significance (3); Likely benign (1). 2 of the submissions do not count toward it. Last evaluated 2026-09-21.

Conditions:
Cardiovascular phenotype. Identifiers: MedGen CN230736.
Inborn genetic diseases. Identifiers: MedGen C0950123, MeSH D030342.

Allele frequency attached by ClinVar (database versions not stated): gnomAD 0.00003; 1000 Genomes Project 0.00020; gnomAD exomes 0.00004 and 0.00003; TOPMed 0.00004; ExAC 0.00002; 1000 Genomes Project 30x 0.00016.
gnomAD v4.1: 61 of 1,612,446 alleles (0.0038%); highest among the groups gnomAD compares: Admixed American, 0.005%; no homozygotes.

Submissions (6):

Molecular Diagnostic Laboratory for Inherited Cardiovascular Disease, Montreal Heart Institute
Classification: Uncertain significance for Cardiovascular phenotype. Last evaluated: 2026-09-21. Review status: criteria provided, single submitter. Criteria: ACMG Guidelines, 2015. Collection method: clinical testing. Allele origin: germline. Affected: yes.
Comment: PM2

Labcorp Genetics (formerly Invitae), Labcorp
Classification: Uncertain significance. Last evaluated: 2026-01-14. Review status: criteria provided, single submitter. Criteria: Invitae Variant Classification Sherloc (09022015). Collection method: clinical testing. Allele origin: germline.
Comment: This sequence change replaces glutamic acid, which is acidic and polar, with glutamine, which is neutral and polar, at codon 770 of the TNNI3K protein (p.Glu770Gln). This variant is present in population databases (rs200475459, gnomAD 0.004%). This variant has not been reported in the literature in individuals affected with TNNI3K-related conditions. ClinVar contains an entry for this variant (Variation ID: 1299284). An algorithm developed to predict the effect of missense changes on protein structure and function (PolyPhen-2) suggests that this variant is likely to be disruptive. In summary, the available evidence is currently insufficient to determine the role of this variant in disease. Therefore, it has been classified as a Variant of Uncertain Significance.

Blueprint Genetics
Classification: Likely benign. Last evaluated: 2024-09-10. Review status: criteria provided, single submitter. Criteria: ACMG Guidelines, 2015. Collection method: clinical testing. Allele origin: germline.

Ambry Genetics
Classification: Uncertain significance for Inborn genetic diseases. Last evaluated: 2024-01-12. Review status: criteria provided, single submitter. Criteria: Ambry Variant Classification Scheme 2023. Collection method: clinical testing. Allele origin: germline.

Clinical Genetics DNA and cytogenetics Diagnostics Lab, Erasmus MC, Erasmus Medical Center
Classification: Uncertain significance. Review status: no assertion criteria provided. Collection method: clinical testing. Allele origin: germline. Affected: yes. Study: VKGL Data-share Consensus. Not counted in ClinVar's aggregate classification.

Diagnostic Laboratory, Department of Genetics, University Medical Center Groningen
Classification: Uncertain significance. Review status: no assertion criteria provided. Collection method: clinical testing. Allele origin: germline. Affected: yes. Study: VKGL Data-share Consensus. Not counted in ClinVar's aggregate classification.

NM_015978.3(TNNI3K):c.2308G>C (p.Glu770Gln)

Genes: FPGT-TNNI3K (FPGT-TNNI3K readthrough; plus strand), LRRC53 (leucine rich repeat containing 53; minus strand), TNNI3K (TNNI3 interacting kinase; plus strand). Cytogenetic location: 1p31.1.
Variant type: single nucleotide variant.
Coding change: c.2308G>C on transcript NM_015978.3 (MANE Select); coding-DNA position 2308, G replaced by C.
Protein change: p.Glu770Gln; replaces glutamic acid 770 with glutamine.
Molecular consequence: missense variant. On other transcripts: intron variant (2).
Genome position (GRCh38, 1-based): chr1:74,492,223, G>C. VCF-style: chr1-74492223-G-C. GRCh37 (hg19) VCF-style: chr1-74957907-G-C.
Other names: c.2611G>C, p.Glu871Gln (NM_001112808.3); c.-8-11255C>G (NM_001364666.2); c.-26-8848C>G (NM_001382280.1); short protein forms E770Q, E871Q.
Identifiers: ClinVar variation 1299284 (VCV001299284.12), dbSNP rs200475459, ClinGen allele CA909848.